The following is an entry in ClinVar:

NM_001377.3(DYNC2H1):c.4927C>T (p.Gln1643Ter)

Gene: DYNC2H1 (dynein cytoplasmic 2 heavy chain 1; plus strand). Cytogenetic location: 11q22.3.
Variant type: single nucleotide variant.
Coding change: c.4927C>T on transcript NM_001377.3 (MANE Select); coding-DNA position 4927, C replaced by T.
Protein change: p.Gln1643Ter; replaces glutamine 1643 with a stop codon.
Molecular consequence: nonsense.
Genome position (GRCh38, 1-based): chr11:103,168,919, C>T. VCF-style: chr11-103168919-C-T. GRCh37 (hg19) VCF-style: chr11-103039648-C-T.
Other names: c.4927C>T, p.Gln1643Ter (NM_001080463.2); short protein forms Q1643*.
Identifiers: ClinVar variation 5013778 (VCV005013778.1).

ClinVar aggregate classification (germline): Pathogenic (1 of 4 stars; one submission).

Conditions:
Asphyxiating thoracic dystrophy 3. Also called: Saldino-Noonan Syndrome; SHORT-RIB THORACIC DYSPLASIA 3 WITH OR WITHOUT POLYDACTYLY; POLYDACTYLY WITH NEONATAL CHONDRODYSTROPHY, TYPE I; SHORT-RIB THORACIC DYSPLASIA 3/6 WITH POLYDACTYLY, DIGENIC; Short rib polydactyly syndrome 2B. Identifiers: Orphanet 474, Orphanet 93269, Orphanet 93270, Orphanet 93271, MedGen C0036069, MONDO:0013127, OMIM 613091.

Submission:

Myriad Genetics, Inc.
Classification: Pathogenic for Asphyxiating thoracic dystrophy 3. Last evaluated: 2024-11-20. Review status: criteria provided, single submitter. Criteria: Myriad Autosomal Dominant, Autosomal Recessive and X-Linked Classification Criteria (2023). Collection method: clinical testing. Allele origin: unknown.
Comment: NM_001377.2(DYNC2H1):c.4927C>T(Q1643*) is expected to be pathogenic in the context of DYNC2H1-related disorders. This variant is predicted to lead to an abnormal or absent protein product due to the creation of a premature termination codon in DYNC2H1, a gene where loss-of-function variants are known to be pathogenic. Please note: this variant was assessed in the context of healthy population screening.